The following is an entry in ClinVar:

ClinVar aggregate classification (germline): Likely benign (1 of 4 stars; one submission).

Conditions:
DNAJB2-related disorder. Also called: DNAJB2-related condition.

gnomAD v4.1: 79 of 1,596,370 alleles (0.0049%); highest among the groups gnomAD compares: South Asian, 0.051%; 3 homozygotes.

Submission:

PreventionGenetics, part of Exact Sciences
Classification: Likely benign for DNAJB2-related condition. Last evaluated: 2025-06-17. Review status: criteria provided, single submitter. Criteria: ACMG Guidelines, 2015. Collection method: clinical testing. Allele origin: germline.
Comment: This variant is classified as likely benign based on ACMG/AMP sequence variant interpretation guidelines (Richards et al. 2015 PMID: 25741868, with internal and published modifications).

NM_006736.6(DNAJB2):c.894G>T (p.Gly298=)

Gene: DNAJB2 (DnaJ heat shock protein family (Hsp40) member B2; plus strand). Cytogenetic location: 2q35.
Variant type: single nucleotide variant.
Coding change: c.894G>T on transcript NM_006736.6 (MANE Select); coding-DNA position 894, G replaced by T.
Protein change: p.Gly298=; no amino-acid change (glycine 298 retained).
Molecular consequence: synonymous variant. On other transcripts: intron variant (1).
Genome position (GRCh38, 1-based): chr2:219,284,906, G>T. VCF-style: chr2-219284906-G-T. GRCh37 (hg19) VCF-style: chr2-220149628-G-T.
Other names: c.823+71G>T (NM_001039550.2).
Identifiers: ClinVar variation 4979265 (VCV004979265.1).